The following is an entry in ClinVar:

NM_006493.4(CLN5):c.656A>C (p.Glu219Ala)

Gene: CLN5 (CLN5 lysosomal BMP synthase; plus strand). Cytogenetic location: 13q22.3.
Variant type: single nucleotide variant.
Coding change: c.656A>C on transcript NM_006493.4 (MANE Select); coding-DNA position 656, A replaced by C.
Protein change: p.Glu219Ala; replaces glutamic acid 219 with alanine.
Molecular consequence: missense variant. On other transcripts: 3 prime UTR variant (1).
Genome position (GRCh38, 1-based): chr13:77,000,548, A>C. VCF-style: chr13-77000548-A-C. GRCh37 (hg19) VCF-style: chr13-77574683-A-C.
Other names: p.Glu219Ala; c.*105A>C (NM_001366624.2); c.803A>C (LRG_692t1); short protein forms E219A.
Identifiers: ClinVar variation 409274 (VCV000409274.18), dbSNP rs11842935, ClinGen allele CA7007241.

ClinVar aggregate classification (germline): Uncertain significance. Review status: criteria provided, multiple submitters, no conflicts (2 of 4 stars). 6 submissions from 6 submitters: Uncertain significance (5). 1 of the submissions does not count toward it. Last evaluated 2025-12-15.

Conditions:
Neuronal ceroid lipofuscinosis. Also called: Neuronal Ceroid Lipofuscinoses. Identifiers: Orphanet 216, Orphanet 79263, MedGen C0027877, MONDO:0016295. Disease mechanism: loss of function.
Inborn genetic diseases. Identifiers: MedGen C0950123, MeSH D030342.
Neuronal ceroid lipofuscinosis 5 (CLN5). Also called: CEROID LIPOFUSCINOSIS, NEURONAL, 5, VARIABLE AGE AT ONSET; Neuronal ceroid lipofuscinosis Finnish variant; NEURONAL CEROID LIPOFUSCINOSIS, LATE INFANTILE, FINNISH VARIANT; CLN5-Related Neuronal Ceroid-Lipofuscinosis. Identifiers: Orphanet 168491, Orphanet 228360, MedGen C1850442, MONDO:0009745, OMIM 256731.

Allele frequency attached by ClinVar (database versions not stated): gnomAD exomes 0.00003; gnomAD 0.00021 and 0.00019; TOPMed 0.00017; ExAC 0.00003; ESP Exome Variant Server 0.00015.
gnomAD v4.1: 55 of 1,614,000 alleles (0.0034%); highest among the groups gnomAD compares: African/African-American, 0.06%; no homozygotes.

Submissions (6):

Ambry Genetics
Classification: Uncertain significance for Inborn genetic diseases. Last evaluated: 2025-12-15. Review status: criteria provided, single submitter. Criteria: Ambry Variant Classification Scheme 2023. Collection method: clinical testing. Allele origin: germline.

GeneDx
Classification: Uncertain significance. Last evaluated: 2025-05-31. Review status: criteria provided, single submitter. Criteria: GeneDx Variant Classification Process June 2021. Collection method: clinical testing. Allele origin: germline. Affected: yes.
Comment: In silico analysis suggests that this missense variant does not alter protein structure/function; Has not been previously published as pathogenic or benign to our knowledge

Mayo Clinic Laboratories, Mayo Clinic
Classification: Uncertain significance. Last evaluated: 2025-02-02. Review status: criteria provided, single submitter. Criteria: ACMG Guidelines, 2015. Collection method: clinical testing. Allele origin: germline. Observed: 1 variant allele.
Comment: BP4

Labcorp Genetics (formerly Invitae), Labcorp
Classification: Uncertain significance for Neuronal ceroid lipofuscinosis. Last evaluated: 2022-10-24. Review status: criteria provided, single submitter. Criteria: Invitae Variant Classification Sherloc (09022015). Collection method: clinical testing. Allele origin: germline.
Comment: This sequence change replaces glutamic acid, which is acidic and polar, with alanine, which is neutral and non-polar, at codon 268 of the CLN5 protein (p.Glu268Ala). This variant is present in population databases (rs11842935, gnomAD 0.03%). This variant has not been reported in the literature in individuals affected with CLN5-related conditions. ClinVar contains an entry for this variant (Variation ID: 409274). Advanced modeling of protein sequence and biophysical properties (such as structural, functional, and spatial information, amino acid conservation, physicochemical variation, residue mobility, and thermodynamic stability) performed at Invitae indicates that this missense variant is not expected to disrupt CLN5 protein function. In summary, the available evidence is currently insufficient to determine the role of this variant in disease. Therefore, it has been classified as a Variant of Uncertain Significance.

Genome-Nilou Lab
Classification: Uncertain significance for Neuronal ceroid lipofuscinosis 5. Last evaluated: 2021-09-05. Review status: criteria provided, single submitter. Criteria: ACMG Guidelines, 2015. Collection method: clinical testing. Allele origin: germline. Affected: no.

Natera, Inc.
Classification: Uncertain significance for Neuronal ceroid lipofuscinosis 5. Last evaluated: 2020-10-16. Review status: no assertion criteria provided. Collection method: clinical testing. Allele origin: germline. Not counted in ClinVar's aggregate classification.